The following is an entry in ClinVar:

NM_015506.3(MMACHC):c.125C>T (p.Pro42Leu)

Gene: MMACHC (metabolism of cobalamin associated C; plus strand). Cytogenetic location: 1p34.1.
Variant type: single nucleotide variant.
Coding change: c.125C>T on transcript NM_015506.3 (MANE Select); coding-DNA position 125, C replaced by T.
Protein change: p.Pro42Leu; replaces proline 42 with leucine.
Molecular consequence: missense variant. On other transcripts: 5 prime UTR variant (1).
Genome position (GRCh38, 1-based): chr1:45,507,399, C>T. VCF-style: chr1-45507399-C-T. GRCh37 (hg19) VCF-style: chr1-45973071-C-T.
Other names: c.-47C>T (NM_001330540.2); short protein forms P42L.
Identifiers: ClinVar variation 1306942 (VCV001306942.3), dbSNP rs763226016, ClinGen allele CA827645.

ClinVar aggregate classification (germline): Uncertain significance. Review status: criteria provided, multiple submitters, no conflicts (2 of 4 stars). 2 submissions from 2 submitters: Uncertain significance (2). Last evaluated 2024-04-25.

Conditions:
Cobalamin C disease. Also called: methylmalonic aciduria and homocystinuria type cblC; Methylmalonic aciduria with homocystinuria cblC type; Cobalamin-C methylmalonic acidemia and homocystinuria; Methylmalonic acidemia and homocystinuria cblC type; Methylmalonic aciduria and homocystinuria, Vitamin B12-responsive; Vitamin B12 metabolic defect with combined deficiency of methylmalonyl-CoA mutase and homocysteine:methyltetrahydrofolate methyltransferase. Identifiers: Orphanet 26, Orphanet 79282, MedGen C1848561, MONDO:0010184, OMIM 277400.

Allele frequency attached by ClinVar (database versions not stated): gnomAD exomes 0.00001 and 0.00002; ExAC 0.00002; gnomAD 0.00003 and 0.00004; TOPMed 0.00003.

Submissions (2):

Fulgent Genetics
Classification: Uncertain significance for Cobalamin C disease. Last evaluated: 2024-04-25. Review status: criteria provided, single submitter. Criteria: ACMG Guidelines, 2015. Collection method: clinical testing. Allele origin: germline.

GeneDx
Classification: Uncertain significance. Last evaluated: 2019-02-25. Review status: criteria provided, single submitter. Criteria: GeneDx Variant Classification Process June 2021. Collection method: clinical testing. Allele origin: germline. Affected: yes.
Comment: Has not been previously published as pathogenic or benign to our knowledge; Not observed at a significant frequency in large population cohorts (Lek et al., 2016); In silico analysis, which includes protein predictors and evolutionary conservation, supports a deleterious effect